The following is an entry in ClinVar:

NM_018896.5(CACNA1G):c.3407G>T (p.Gly1136Val)

Gene: CACNA1G (calcium voltage-gated channel subunit alpha1 G; plus strand). Cytogenetic location: 17q21.33.
Variant type: single nucleotide variant.
Coding change: c.3407G>T on transcript NM_018896.5 (MANE Select); coding-DNA position 3407, G replaced by T.
Protein change: p.Gly1136Val; replaces glycine 1136 with valine.
Molecular consequence: missense variant. On other transcripts: non-coding transcript variant (5).
Genome position (GRCh38, 1-based): chr17:50,599,576, G>T. VCF-style: chr17-50599576-G-T. GRCh37 (hg19) VCF-style: chr17-48676937-G-T.
Other names: c.3407G>T, p.Gly1136Val (NM_001256324.2, NM_001256325.2, NM_001256326.2 and 16 more transcripts); c.3338G>T, p.Gly1113Val (NM_001256332.2, NM_198376.3, NM_198379.3 and 5 more transcripts); c.3407G>T (NM_018896.3); short protein forms G1113V, G1136V.
Identifiers: ClinVar variation 3769892 (VCV003769892.2).

ClinVar aggregate classification (germline): Uncertain significance. Review status: criteria provided, multiple submitters, no conflicts (2 of 4 stars). 2 submissions from 2 submitters: Uncertain significance (2). Last evaluated 2026-06-23.

Conditions:
Inborn genetic diseases. Identifiers: MedGen C0950123, MeSH D030342.

gnomAD v4.1: 1 of 1,612,872 alleles (0.000062%); highest among the groups gnomAD compares: Non-Finnish European, 0.000085%; no homozygotes.

Submissions (2):

Ambry Genetics
Classification: Uncertain significance for Inborn genetic diseases. Last evaluated: 2026-06-23. Review status: criteria provided, single submitter. Criteria: Ambry Variant Classification Scheme 2023. Collection method: clinical testing. Allele origin: germline.

GeneDx
Classification: Uncertain significance. Last evaluated: 2024-09-16. Review status: criteria provided, single submitter. Criteria: GeneDx Variant Classification Process June 2021. Collection method: clinical testing. Allele origin: germline. Affected: yes.
Comment: Not observed at significant frequency in large population cohorts (gnomAD); In silico analysis supports that this missense variant has a deleterious effect on protein structure/function; Has not been previously published as pathogenic or benign to our knowledge